The following is an entry in ClinVar:

ClinVar aggregate classification (germline): Conflicting classifications of pathogenicity. Review status: criteria provided, conflicting classifications (1 of 4 stars). 5 submissions from 5 submitters: Uncertain significance (4); Likely benign (1). Last evaluated 2026-01-16.

Conditions:
Cardiovascular phenotype. Identifiers: MedGen CN230736.
Hypercholesterolemia, autosomal dominant, type B (FHCL2). Also called: APOB-Related Familial Hypercholesterolemia, Autosomal Dominant; Hyperlipoproteinemia Type IIb; Familial Hypercholesterolemia Type B; APOLIPOPROTEIN B-100, FAMILIAL DEFECTIVE; APOLIPOPROTEIN B-100, FAMILIAL LIGAND-DEFECTIVE; Familial hypercholesterolemia 2. Identifiers: MedGen C1704417, MONDO:0007751, OMIM 144010.
Familial hypobetalipoproteinemia 1. Also called: APOB-Related Familial Hypobetalipoproteinemia; Hypobetalipoproteinemia, normotriglyceridemic; Acanthocytosis with hypobetalipoproteinemia. Identifiers: MedGen C4551990, MONDO:0014252, OMIM 615558.

Allele frequency attached by ClinVar (database versions not stated): ExAC 0.00002; gnomAD exomes 0.00002; gnomAD 0.00005; TOPMed 0.00005.
gnomAD v4.1: 88 of 1,613,876 alleles (0.0055%); highest among the groups gnomAD compares: Admixed American, 0.0083%; no homozygotes.

Submissions (5):

Labcorp Genetics (formerly Invitae), Labcorp
Classification: Likely benign for Familial hypobetalipoproteinemia 1; Hypercholesterolemia, autosomal dominant, type B. Last evaluated: 2026-01-16. Review status: criteria provided, single submitter. Criteria: Invitae Variant Classification Sherloc (09022015). Collection method: clinical testing. Allele origin: germline.

GeneDx
Classification: Uncertain significance. Last evaluated: 2022-09-06. Review status: criteria provided, single submitter. Criteria: GeneDx Variant Classification Process June 2021. Collection method: clinical testing. Allele origin: germline. Affected: yes.
Comment: Not observed at significant frequency in large population cohorts (gnomAD); In silico analysis supports that this missense variant does not alter protein structure/function; Has not been previously published as pathogenic or benign to our knowledge

Fulgent Genetics
Classification: Uncertain significance for Hypercholesterolemia, autosomal dominant, type B; Familial hypobetalipoproteinemia 1. Last evaluated: 2021-11-15. Review status: criteria provided, single submitter. Criteria: ACMG Guidelines, 2015. Collection method: clinical testing. Allele origin: unknown.

Ambry Genetics
Classification: Uncertain significance for Cardiovascular phenotype. Last evaluated: 2021-09-21. Review status: criteria provided, single submitter. Criteria: Ambry Variant Classification Scheme 2023. Collection method: clinical testing. Allele origin: germline.
Comment: The p.Q2353K variant (also known as c.7057C>A), located in coding exon 26 of the APOB gene, results from a C to A substitution at nucleotide position 7057. The glutamine at codon 2353 is replaced by lysine, an amino acid with similar properties. This amino acid position is conserved. In addition, this alteration is predicted to be tolerated by in silico analysis. Since supporting evidence is limited at this time, the clinical significance of this alteration remains unclear.

Mayo Clinic Laboratories, Mayo Clinic
Classification: Uncertain significance. Last evaluated: 2021-08-25. Review status: criteria provided, single submitter. Criteria: ACMG Guidelines, 2015. Collection method: clinical testing. Allele origin: germline.

NM_000384.3(APOB):c.7057C>A (p.Gln2353Lys)

Gene: APOB (apolipoprotein B; minus strand). Cytogenetic location: 2p24.1.
Variant type: single nucleotide variant.
Coding change: c.7057C>A on transcript NM_000384.3 (MANE Select); coding-DNA position 7057, C replaced by A.
Protein change: p.Gln2353Lys; replaces glutamine 2353 with lysine.
Molecular consequence: missense variant.
Genome position (GRCh38, 1-based): chr2:21,009,811, G>T on the plus strand (C>A on the coding strand, the complement: APOB is on the minus strand). VCF-style: chr2-21009811-G-T. GRCh37 (hg19) VCF-style: chr2-21232683-G-T.
Other names: p.Gln2353Lys; short protein forms Q2353K.
Identifiers: ClinVar variation 630283 (VCV000630283.16), dbSNP rs758067709, ClinGen allele CA064042.